The following is an entry in ClinVar:

ClinVar aggregate classification (germline): Uncertain significance. Review status: criteria provided, multiple submitters, no conflicts (2 of 4 stars). 6 submissions from 6 submitters: Uncertain significance (6). Last evaluated 2024-06-11.

Conditions:
Fanconi anemia complementation group P. Also called: SLX4-Related Fanconi Anemia. Identifiers: Orphanet 84, MedGen C3469542, MONDO:0013499, OMIM 613951.
Fanconi anemia (FA). Also called: Fanconi's anemia. Identifiers: Orphanet 84, MedGen C0015625, MeSH D005199, MONDO:0019391.

Allele frequency attached by ClinVar (database versions not stated): gnomAD exomes 0.00004; gnomAD 0.00003 and 0.00004; TOPMed 0.00003; ExAC 0.00004.

Submissions (6):

Labcorp Genetics (formerly Invitae), Labcorp
Classification: Uncertain significance for Fanconi anemia. Last evaluated: 2024-06-11. Review status: criteria provided, single submitter. Criteria: Invitae Variant Classification Sherloc (09022015). Collection method: clinical testing. Allele origin: germline.
Comment: This sequence change replaces proline, which is neutral and non-polar, with leucine, which is neutral and non-polar, at codon 245 of the SLX4 protein (p.Pro245Leu). This variant is present in population databases (rs199929086, gnomAD 0.04%). This variant has not been reported in the literature in individuals affected with SLX4-related conditions. ClinVar contains an entry for this variant (Variation ID: 1042061). Algorithms developed to predict the effect of missense changes on protein structure and function output the following: SIFT: "Not Available"; PolyPhen-2: "Benign"; Align-GVGD: "Not Available". The leucine amino acid residue is found in multiple mammalian species, which suggests that this missense change does not adversely affect protein function. In summary, the available evidence is currently insufficient to determine the role of this variant in disease. Therefore, it has been classified as a Variant of Uncertain Significance.

Fulgent Genetics
Classification: Uncertain significance for Fanconi anemia complementation group P. Last evaluated: 2024-06-06. Review status: criteria provided, single submitter. Criteria: ACMG Guidelines, 2015. Collection method: clinical testing. Allele origin: germline.

Genetic Services Laboratory, University of Chicago
Classification: Uncertain significance. Last evaluated: 2023-02-09. Review status: criteria provided, single submitter. Criteria: ACMG Guidelines, 2015. Collection method: clinical testing. Allele origin: germline. Affected: no.
Comment: DNA sequence analysis of the SLX4 gene demonstrated a sequence change, c.734C>T, in exon 3 that results in an amino acid change, p.Pro245Leu. This sequence change does not appear to have been previously described in individuals with SLX4-related disorders. This sequence change has been described in the gnomAD database with a global frequency of 0.004% (12) (dbSNP rs199929086). The p.Pro245Leu change affects a poorly conserved amino acid residue located in a domain of the SLX4 protein that is not known to be functional. The p.Pro245Leu substitution appears to be benign using several in-silico pathogenicity prediction tools (SIFT, Align GVGD, PolyPhen2, REVEL). Due to insufficient evidences and the lack of functional studies, the clinical significance of the p.Pro245Leu change remains unknown at this time.

Victorian Clinical Genetics Services, Murdoch Childrens Research Institute
Classification: Uncertain significance for Fanconi anemia complementation group P. Last evaluated: 2022-03-31. Review status: criteria provided, single submitter. Criteria: ACMG Guidelines, 2015. Collection method: clinical testing. Allele origin: germline. Inheritance: Autosomal recessive inheritance.
Comment: Based on the classification scheme VCGS_Germline_v1.3.4, this variant is classified as VUS-3C. Following criteria are met: 0102 - Loss of function is a known mechanism of disease in this gene and is associated with complementation group P fanconi anaemia (MIM#613951). (I) 0106 - This gene is associated with autosomal recessive disease. (I) 0200 - Variant is predicted to result in a missense amino acid change from proline to leucine. (I) 0252 - This variant is homozygous. (I) 0304 - Variant is present in gnomAD (v2) <0.01 for a recessive condition (12 heterozygotes, 0 homozygotes). (SP) 0309 - An alternative amino acid change at the same position has been observed in gnomAD (v2) (1 heterozygote, 0 homozygotes). (I) 0503 - Missense variant consistently predicted to be tolerated by multiple in silico tools or not conserved in placental mammals with a minor amino acid change. (SB) 0604 - Variant is not located in an established domain, motif, hotspot or informative constraint region. (I) 0705 - No comparable missense variants have previous evidence for pathogenicity. (I) 0809 - Previous evidence of pathogenicity for this variant is inconclusive. It has been reported as VUS once in ClinVar, and as not clearly pathogenic nor a likely neutral polymorphism in a hereditary breast/ovarian cancer cohort (PMID:22383991). (I) 0905 - No published segregation evidence has been identified for this variant. (I) 1007 - No published functional evidence has been identified for this variant. (I) Legend: (SP) - Supporting pathogenic, (I) - Information, (SB) - Supporting benign

GeneDx
Classification: Uncertain significance. Last evaluated: 2022-03-04. Review status: criteria provided, single submitter. Criteria: GeneDx Variant Classification Process June 2021. Collection method: clinical testing. Allele origin: germline. Affected: yes.
Comment: In silico analysis supports that this missense variant does not alter protein structure/function; Has not been previously published as pathogenic or benign to our knowledge

Sema4
Classification: Uncertain significance for Fanconi anemia. Last evaluated: 2021-05-12. Review status: criteria provided, single submitter. Criteria: Sema4 Curation Guidelines. Collection method: curation. Allele origin: germline.
Comment: The SLX4 c.734C>T (p.P245L) variant has not been reported in the literature to our knowledge. It was observed in 5/10364 chromosomes of the Ashkenazi Jewish subpopulation in the large and broad cohorts of the Genome Aggregation Database (PMID: 32461654). The variant has been reported in ClinVar (Variation ID 1042061). In silico tools suggest the impact of the variant on protein function is inconclusive, though these predictions have not been confirmed by functional studies. The evidence is insufficient to meet ACMG/AMP criteria for classifying the variant as benign or pathogenic. Thus, the clinical significance of this variant is currently uncertain.

Literature cited by the submitters: PubMed 22383991 (cited by Victorian Clinical Genetics Services, Murdoch Childrens Research Institute).

NM_032444.4(SLX4):c.734C>T (p.Pro245Leu)

Gene: SLX4 (SLX4 structure-specific endonuclease subunit; minus strand). Cytogenetic location: 16p13.3.
Variant type: single nucleotide variant.
Coding change: c.734C>T on transcript NM_032444.4 (MANE Select); coding-DNA position 734, C replaced by T.
Protein change: p.Pro245Leu; replaces proline 245 with leucine.
Molecular consequence: missense variant.
Genome position (GRCh38, 1-based): chr16:3,606,500, G>A on the plus strand (C>T on the coding strand, the complement: SLX4 is on the minus strand). VCF-style: chr16-3606500-G-A. GRCh37 (hg19) VCF-style: chr16-3656501-G-A.
Other names: c.734C>T (NM_032444.3); short protein forms P245L.
Identifiers: ClinVar variation 1042061 (VCV001042061.13), dbSNP rs199929086, ClinGen allele CA7866773.